The following is an entry in ClinVar:

NM_001365536.1(SCN9A):c.4102T>C (p.Ser1368Pro)

Genes: SCN1A-AS1 (SCN1A and SCN9A antisense RNA 1; plus strand), SCN9A (sodium voltage-gated channel alpha subunit 9; minus strand). Cytogenetic location: 2q24.3.
Variant type: single nucleotide variant.
Coding change: c.4102T>C on transcript NM_001365536.1 (MANE Select); coding-DNA position 4102, T replaced by C.
Protein change: p.Ser1368Pro; replaces serine 1368 with proline.
Molecular consequence: missense variant.
Genome position (GRCh38, 1-based): chr2:166,228,795, A>G on the plus strand (T>C on the coding strand, the complement: SCN9A is on the minus strand). VCF-style: chr2-166228795-A-G. GRCh37 (hg19) VCF-style: chr2-167085305-A-G.
Other names: c.4069T>C, p.Ser1357Pro (NM_002977.4); short protein forms S1368P, S1357P.
Identifiers: ClinVar variation 1473879 (VCV001473879.6), dbSNP rs1225665184, ClinGen allele CA349063593.

ClinVar aggregate classification (germline): Uncertain significance (1 of 4 stars; one submission).

Conditions:
Generalized epilepsy with febrile seizures plus, type 7 (GEFSP7). Also called: GEFS+, TYPE 7. Identifiers: Orphanet 36387, MedGen C2751778, MONDO:0013470, OMIM 613863.
Neuropathy, hereditary sensory and autonomic, type 2A (HSAN2A). Also called: ACROOSTEOLYSIS, GIACCAI TYPE; ACROOSTEOLYSIS, NEUROGENIC; MORVAN DISEASE; HSAN IIA; NEUROPATHY, CONGENITAL SENSORY; NEUROPATHY, HEREDITARY SENSORY RADICULAR, AUTOSOMAL RECESSIVE. Identifiers: Orphanet 970, MedGen C2752089, MONDO:0024309, OMIM 201300.

Allele frequency attached by ClinVar (database versions not stated): gnomAD exomes below 0.00001.
gnomAD v4.1: 1 of 1,613,908 alleles (0.000062%); highest among the groups gnomAD compares: Admixed American, 0.0017%; no homozygotes.

Submission:

Labcorp Genetics (formerly Invitae), Labcorp
Classification: Uncertain significance for Neuropathy, hereditary sensory and autonomic, type 2A; Generalized epilepsy with febrile seizures plus, type 7. Last evaluated: 2021-09-26. Review status: criteria provided, single submitter. Criteria: Invitae Variant Classification Sherloc (09022015). Collection method: clinical testing. Allele origin: germline.
Comment: This sequence change replaces serine with proline at codon 1357 of the SCN9A protein (p.Ser1357Pro). The serine residue is highly conserved and there is a moderate physicochemical difference between serine and proline. This variant is not present in population databases (ExAC no frequency). In summary, the available evidence is currently insufficient to determine the role of this variant in disease. Therefore, it has been classified as a Variant of Uncertain Significance. Algorithms developed to predict the effect of missense changes on protein structure and function are either unavailable or do not agree on the potential impact of this missense change (SIFT: "Deleterious"; PolyPhen-2: "Benign"; Align-GVGD: "Class C0"). This variant has not been reported in the literature in individuals affected with SCN9A-related conditions.